The following is an entry in ClinVar:

NM_006129.5(BMP1):c.2519G>A (p.Arg840His)

Gene: BMP1 (bone morphogenetic protein 1; plus strand). Cytogenetic location: 8p21.3.
Variant type: single nucleotide variant.
Coding change: c.2519G>A on transcript NM_006129.5 (MANE Select); coding-DNA position 2519, G replaced by A.
Protein change: p.Arg840His; replaces arginine 840 with histidine.
Molecular consequence: missense variant. On other transcripts: non-coding transcript variant (1).
Genome position (GRCh38, 1-based): chr8:22,207,460, G>A. VCF-style: chr8-22207460-G-A. GRCh37 (hg19) VCF-style: chr8-22064973-G-A.
Other names: c.2519G>A (NM_006129.4); short protein forms R840H.
Identifiers: ClinVar variation 1346595 (VCV001346595.5), dbSNP rs145359380, ClinGen allele CA4665280.

ClinVar aggregate classification (germline): Uncertain significance. Review status: criteria provided, multiple submitters, no conflicts (2 of 4 stars). 3 submissions from 3 submitters: Uncertain significance (3). Last evaluated 2023-02-22.

Conditions:
Inborn genetic diseases. Identifiers: MedGen C0950123, MeSH D030342.
Osteogenesis imperfecta type 13. Also called: Osteogenesis imperfecta, type xiii; OI, TYPE XIII. Identifiers: Orphanet 666, MedGen C3553887, MONDO:0013924, OMIM 614856.

Allele frequency attached by ClinVar (database versions not stated): gnomAD exomes 0.00008; ExAC 0.00009; TOPMed 0.00012; gnomAD 0.00014 and 0.00015; ESP Exome Variant Server 0.00023.
gnomAD v4.1: 163 of 1,614,060 alleles (0.01%); highest among the groups gnomAD compares: Admixed American, 0.022%; no homozygotes.

Submissions (3):

ARUP Laboratories, Molecular Genetics and Genomics, ARUP Laboratories
Classification: Uncertain significance for Osteogenesis imperfecta type 13. Last evaluated: 2023-02-22. Review status: criteria provided, single submitter. Criteria: ARUP Molecular Germline Variant Investigation Process 2024. Collection method: clinical testing. Allele origin: germline.
Comment: The BMP1 c.2519G>A; p.Arg840His variant (rs145359380), to our knowledge, is not reported in the medical literature but is reported in ClinVar (Variation ID: 1346595). This variant is found in the general population with an overall allele frequency of 0.0089% (25/280188 alleles) in the Genome Aggregation Database. Computational analyses are uncertain whether this variant is neutral or deleterious (REVEL: 0.189). Due to limited information, the clinical significance of this variant is uncertain at this time.

Ambry Genetics
Classification: Uncertain significance for Inborn genetic diseases. Last evaluated: 2022-07-11. Review status: criteria provided, single submitter. Criteria: Ambry Variant Classification Scheme 2023. Collection method: clinical testing. Allele origin: germline.

Labcorp Genetics (formerly Invitae), Labcorp
Classification: Uncertain significance. Last evaluated: 2022-06-27. Review status: criteria provided, single submitter. Criteria: Invitae Variant Classification Sherloc (09022015). Collection method: clinical testing. Allele origin: germline.
Comment: This sequence change replaces arginine, which is basic and polar, with histidine, which is basic and polar, at codon 840 of the BMP1 protein (p.Arg840His). This variant is present in population databases (rs145359380, gnomAD 0.02%). This variant has not been reported in the literature in individuals affected with BMP1-related conditions. Algorithms developed to predict the effect of missense changes on protein structure and function are either unavailable or do not agree on the potential impact of this missense change (SIFT: "Deleterious"; PolyPhen-2: "Benign"; Align-GVGD: "Class C25"). In summary, the available evidence is currently insufficient to determine the role of this variant in disease. Therefore, it has been classified as a Variant of Uncertain Significance.